The following is an entry in ClinVar:

ClinVar aggregate classification (germline): Uncertain significance (0 of 4 stars; one submission).

Conditions:
CAMTA1-related disorder. Also called: CAMTA1-related condition.

Submission:

PreventionGenetics, part of Exact Sciences
Classification: Uncertain significance for CAMTA1-related condition. Last evaluated: 2023-11-08. Review status: no assertion criteria provided. Collection method: clinical testing. Allele origin: germline.
Comment: The CAMTA1 c.3532C>G variant is predicted to result in the amino acid substitution p.Pro1178Ala. To our knowledge, this variant has not been reported in the literature or in a large population database, indicating this variant is rare. At this time, the clinical significance of this variant is uncertain due to the absence of conclusive functional and genetic evidence.

NM_015215.4(CAMTA1):c.3532C>G (p.Pro1178Ala)

Gene: CAMTA1 (calmodulin binding transcription activator 1; plus strand). Cytogenetic location: 1p36.23.
Variant type: single nucleotide variant.
Coding change: c.3532C>G on transcript NM_015215.4 (MANE Select); coding-DNA position 3532, C replaced by G.
Protein change: p.Pro1178Ala; replaces proline 1178 with alanine.
Molecular consequence: missense variant.
Genome position (GRCh38, 1-based): chr1:7,737,444, C>G. VCF-style: chr1-7737444-C-G. GRCh37 (hg19) VCF-style: chr1-7797504-C-G.
Other names: c.3442C>G, p.Pro1148Ala (NM_001349608.2, NM_001349612.2); c.3532C>G, p.Pro1178Ala (NM_001349609.2, NM_001349610.2, NM_001410737.1); c.661C>G, p.Pro221Ala (NM_001349613.1); c.604C>G, p.Pro202Ala (NM_001349614.1, NM_001349615.2, NM_001349616.2 and 10 more transcripts); c.3460C>G, p.Pro1154Ala (NM_001410738.1); short protein forms P1148A, P1154A, P1178A, P202A, P221A.
Identifiers: ClinVar variation 3061514 (VCV003061514.2), dbSNP rs2096780580, ClinGen allele CA338129060.